The following is an entry in ClinVar:

ClinVar aggregate classification (germline): Uncertain significance (1 of 4 stars; one submission).

Conditions:
Hereditary cancer-predisposing syndrome. Also called: Hereditary neoplastic syndrome; Tumor predisposition; Hereditary Cancer Syndrome; Neoplastic Syndromes, Hereditary. Identifiers: Orphanet 140162, MedGen C0027672, MeSH D009386, MONDO:0015356.

gnomAD v4.1: 1 of 1,614,130 alleles (0.000062%); highest among the groups gnomAD compares: Non-Finnish European, 0.000085%; no homozygotes.

Submission:

Ambry Genetics
Classification: Uncertain significance for Hereditary cancer-predisposing syndrome. Last evaluated: 2023-09-01. Review status: criteria provided, single submitter. Criteria: Ambry Variant Classification Scheme 2023. Collection method: clinical testing. Allele origin: germline.
Comment: The p.M418V variant (also known as c.1252A>G), located in coding exon 8 of the MSH3 gene, results from an A to G substitution at nucleotide position 1252. The methionine at codon 418 is replaced by valine, an amino acid with highly similar properties. This amino acid position is conserved. In addition, this alteration is predicted to be tolerated by in silico analysis. Since supporting evidence is limited at this time, the clinical significance of this alteration remains unclear.

NM_002439.5(MSH3):c.1252A>G (p.Met418Val)

Gene: MSH3 (mutS homolog 3; plus strand). Cytogenetic location: 5q14.1.
Variant type: single nucleotide variant.
Coding change: c.1252A>G on transcript NM_002439.5 (MANE Select); coding-DNA position 1252, A replaced by G.
Protein change: p.Met418Val; replaces methionine 418 with valine.
Molecular consequence: missense variant.
Genome position (GRCh38, 1-based): chr5:80,679,005, A>G. VCF-style: chr5-80679005-A-G. GRCh37 (hg19) VCF-style: chr5-79974824-A-G.
Other names: short protein forms M418V.
Identifiers: ClinVar variation 2586083 (VCV002586083.2), dbSNP rs1749904636, ClinGen allele CA360268976.
Genomic context (GRCh38, chr5:80,679,005, plus strand): 5'-GGCGAGGTTGTGTTTGATAGTTTCCAGGACTCTGCTTCTCGTTCAGAGCTAGAAACCCGG[A>G]TGTCAAGCCTGCAGCCAGTAGAGCTGCTGCTTCCTTCGGCCTTGTCCGAGCAAACAGAGG-3'
Protein context (NP_002430.3, residues 408-428): SASRSELETR[Met418Val]SSLQPVELLL